The following is an entry in ClinVar:

ClinVar aggregate classification (germline): Uncertain significance (1 of 4 stars; one submission).

Conditions:
Hereditary insensitivity to pain with anhidrosis (CIPA). Also called: INSENSITIVITY TO PAIN, CONGENITAL, WITH ANHIDROSIS; NEUROPATHY, CONGENITAL SENSORY, WITH ANHIDROSIS; NTRK1 Congenital Insensitivity to Pain with Anhidrosis; hereditary sensory and autonomic neuropathy type 4; FAMILIAL DYSAUTONOMIA, TYPE II; HSAN Type IV. Identifiers: Orphanet 642, MedGen C0020074, MONDO:0009746, OMIM 256800.

Submission:

Labcorp Genetics (formerly Invitae), Labcorp
Classification: Uncertain significance for Hereditary insensitivity to pain with anhidrosis. Last evaluated: 2022-04-25. Review status: criteria provided, single submitter. Criteria: Invitae Variant Classification Sherloc (09022015). Collection method: clinical testing. Allele origin: germline.
Comment: In summary, the available evidence is currently insufficient to determine the role of this variant in disease. Therefore, it has been classified as a Variant of Uncertain Significance. Advanced modeling of protein sequence and biophysical properties (such as structural, functional, and spatial information, amino acid conservation, physicochemical variation, residue mobility, and thermodynamic stability) performed at Invitae indicates that this missense variant is expected to disrupt NTRK1 protein function. This variant has not been reported in the literature in individuals affected with NTRK1-related conditions. This variant is not present in population databases (gnomAD no frequency). This sequence change replaces threonine, which is neutral and polar, with lysine, which is basic and polar, at codon 360 of the NTRK1 protein (p.Thr360Lys).

NM_002529.4(NTRK1):c.1079C>A (p.Thr360Lys)

Gene: NTRK1 (neurotrophic receptor tyrosine kinase 1; plus strand). Cytogenetic location: 1q23.1.
Variant type: single nucleotide variant.
Coding change: c.1079C>A on transcript NM_002529.4 (MANE Select); coding-DNA position 1079, C replaced by A.
Protein change: p.Thr360Lys; replaces threonine 360 with lysine.
Molecular consequence: missense variant.
Genome position (GRCh38, 1-based): chr1:156,873,861, C>A. VCF-style: chr1-156873861-C-A. GRCh37 (hg19) VCF-style: chr1-156843653-C-A.
Other names: c.1079C>A, p.Thr360Lys (NM_001007204.1, NM_001012331.2); c.989C>A, p.Thr330Lys (NM_001007792.1); short protein forms T360K, T330K.
Identifiers: ClinVar variation 1985515 (VCV001985515.4), dbSNP rs371498291, ClinGen allele CA342936143.